The following is an entry in ClinVar:

ClinVar aggregate classification (germline): Benign/Likely benign. Review status: criteria provided, multiple submitters, no conflicts (2 of 4 stars). 9 submissions from 9 submitters: Benign (2); Likely benign (7). Last evaluated 2026-01-27.

Conditions:
Hereditary cancer-predisposing syndrome. Also called: Hereditary Cancer Syndrome; Tumor predisposition; Neoplastic Syndromes, Hereditary; Hereditary neoplastic syndrome. Identifiers: Orphanet 140162, MedGen C0027672, MeSH D009386, MONDO:0015356.
Familial cancer of breast. Also called: hereditary breast carcinoma; BREAST CANCER, FAMILIAL; Hereditary breast cancer. Identifiers: Orphanet 227535, MedGen C0346153, MONDO:0016419, OMIM 114480. Disease mechanism: loss of function.
Ataxia-telangiectasia syndrome (AT). Also called: ATAXIA-TELANGIECTASIA, COMPLEMENTATION GROUP A; ATAXIA-TELANGIECTASIA, FRESNO VARIANT; Ataxia-telangiectasia; Ataxia-telangiectasia, complementation group E; Cerebello-oculocutaneous telangiectasia; Immunodeficiency with ataxia telangiectasia. Identifiers: Orphanet 100, MedGen C0004135, MONDO:0008840, OMIM 208900.

Allele frequency attached by ClinVar (database versions not stated): gnomAD 0.00001; gnomAD exomes 0.00004 and 0.00002; ExAC 0.00002; TOPMed 0.00003.
gnomAD v4.1: 61 of 1,614,044 alleles (0.0038%); highest among the groups gnomAD compares: Non-Finnish European, 0.0045%; no homozygotes.

Submissions (9):

Labcorp Genetics (formerly Invitae), Labcorp
Classification: Likely benign for Ataxia-telangiectasia syndrome. Last evaluated: 2026-01-27. Review status: criteria provided, single submitter. Criteria: Invitae Variant Classification Sherloc (09022015). Collection method: clinical testing. Allele origin: germline.

Institute for Biomarker Research, Medical Diagnostic Laboratories, L.L.C.
Classification: Likely benign for Hereditary cancer-predisposing syndrome. Last evaluated: 2024-11-12. Review status: criteria provided, single submitter. Criteria: ACMG Guidelines, 2015. Collection method: clinical testing. Allele origin: germline.
Comment: The synonymous variant NM_000051.4(ATM):c.8922G>A (p.Pro2974=) has been reported to ClinVar as Benign/Likely benign with a status of (2 stars) criteria provided, multiple submitters, no conflicts (Variation ID 181846 as of 2024-10-03). The p.Pro2974= variant is observed in 3/30,614 (0.0098%) alleles from individuals of gnomAD South Asian background in gnomAD. The p.Pro2974= variant is novel (not in any individuals) in 1kG. The p.Pro2974= variant is not predicted to disrupt an existing splice site. The p.Pro2974= variant results in a substitution of a base that is not predicted conserved by GERP++ and PhyloP. For these reasons, this variant has been classified as Likely Benign

Blueprint Genetics
Classification: Likely benign. Last evaluated: 2024-08-06. Review status: criteria provided, single submitter. Criteria: ACMG Guidelines, 2015. Collection method: clinical testing. Allele origin: germline.

Myriad Genetics, Inc.
Classification: Benign for Familial cancer of breast. Last evaluated: 2024-06-24. Review status: criteria provided, single submitter. Criteria: Myriad Autosomal Dominant, Autosomal Recessive and X-Linked Classification Criteria (2023). Collection method: clinical testing. Allele origin: unknown.
Comment: This variant is considered benign. This variant is a silent/synonymous amino acid change and it is not expected to impact splicing.

Sema4
Classification: Likely benign for Hereditary cancer-predisposing syndrome. Last evaluated: 2021-11-01. Review status: criteria provided, single submitter. Criteria: Sema4 Curation Guidelines. Collection method: curation. Allele origin: germline.

Women's Health and Genetics/Laboratory Corporation of America, LabCorp
Classification: Likely benign. Last evaluated: 2019-08-20. Review status: criteria provided, single submitter. Criteria: LabCorp Variant Classification Summary - May 2015. Collection method: clinical testing. Allele origin: germline.

Color Diagnostics, LLC DBA Color Health
Classification: Likely benign for Hereditary cancer-predisposing syndrome. Last evaluated: 2016-03-05. Review status: criteria provided, single submitter. Criteria: ACMG Guidelines, 2015. Collection method: clinical testing. Allele origin: germline.

Ambry Genetics
Classification: Likely benign for Hereditary cancer-predisposing syndrome. Last evaluated: 2014-12-08. Review status: criteria provided, single submitter. Criteria: Ambry Variant Classification Scheme 2023. Collection method: clinical testing. Allele origin: germline.

GeneDx
Classification: Benign. Last evaluated: 2014-10-03. Review status: criteria provided, single submitter. Criteria: GeneDx Variant Classification (06012015). Collection method: clinical testing. Allele origin: germline. Affected: yes.
Comment: This variant is considered likely benign or benign based on one or more of the following criteria: it is a conservative change, it occurs at a poorly conserved position in the protein, it is predicted to be benign by multiple in silico algorithms, and/or has population frequency not consistent with disease.

NM_000051.4(ATM):c.8922G>A (p.Pro2974=)

Genes: ATM (ATM serine/threonine kinase; plus strand), C11orf65 (chromosome 11 open reading frame 65; minus strand). Cytogenetic location: 11q22.3.
Variant type: single nucleotide variant.
Coding change: c.8922G>A on transcript NM_000051.4 (MANE Select); coding-DNA position 8922, G replaced by A.
Protein change: p.Pro2974=; no amino-acid change (proline 2974 retained).
Molecular consequence: synonymous variant. On other transcripts: intron variant (2).
Genome position (GRCh38, 1-based): chr11:108,365,153, G>A. VCF-style: chr11-108365153-G-A. GRCh37 (hg19) VCF-style: chr11-108235880-G-A.
Other names: p.P2974P:CCG>CCA; c.8922G>A, p.Pro2974= (NM_001351834.2); c.640+20767C>T (NM_001330368.2); c.694+20767C>T (NM_001351110.2).
Identifiers: ClinVar variation 181846 (VCV000181846.21), dbSNP rs527248759, ClinGen allele CA297979.